The following is an entry in ClinVar:

NM_020937.4(FANCM):c.5504C>T (p.Ser1835Phe)

Gene: FANCM (FA complementation group M; plus strand). Cytogenetic location: 14q21.2.
Variant type: single nucleotide variant.
Coding change: c.5504C>T on transcript NM_020937.4 (MANE Select); coding-DNA position 5504, C replaced by T.
Protein change: p.Ser1835Phe; replaces serine 1835 with phenylalanine.
Molecular consequence: missense variant.
Genome position (GRCh38, 1-based): chr14:45,196,335, C>T. VCF-style: chr14-45196335-C-T. GRCh37 (hg19) VCF-style: chr14-45665538-C-T.
Other names: c.5426C>T, p.Ser1809Phe (NM_001308133.2); short protein forms S1809F, S1835F.
Identifiers: ClinVar variation 2869313 (VCV002869313.3), dbSNP rs1203072805, ClinGen allele CA389585998.

ClinVar aggregate classification (germline): Uncertain significance (1 of 4 stars; one submission).

Conditions:
Fanconi anemia (FA). Also called: Fanconi's anemia. Identifiers: Orphanet 84, MedGen C0015625, MeSH D005199, MONDO:0019391.

Submission:

Labcorp Genetics (formerly Invitae), Labcorp
Classification: Uncertain significance for Fanconi anemia. Last evaluated: 2023-04-14. Review status: criteria provided, single submitter. Criteria: Invitae Variant Classification Sherloc (09022015). Collection method: clinical testing. Allele origin: germline.
Comment: This sequence change replaces serine, which is neutral and polar, with phenylalanine, which is neutral and non-polar, at codon 1835 of the FANCM protein (p.Ser1835Phe). This variant is not present in population databases (gnomAD no frequency). In summary, the available evidence is currently insufficient to determine the role of this variant in disease. Therefore, it has been classified as a Variant of Uncertain Significance. An algorithm developed to predict the effect of missense changes on protein structure and function (PolyPhen-2) suggests that this variant is likely to be disruptive. This variant has not been reported in the literature in individuals affected with FANCM-related conditions.